The following is an entry in ClinVar:

ClinVar aggregate classification (germline): Likely pathogenic. Review status: criteria provided, single submitter (1 of 4 stars). 2 submissions from 2 submitters: Likely pathogenic (1). 1 of the submissions does not count toward it. Last evaluated 2016-11-18.

Conditions:
Hereditary cancer-predisposing syndrome. Also called: Tumor predisposition; Hereditary Cancer Syndrome; Neoplastic Syndromes, Hereditary; Hereditary neoplastic syndrome. Identifiers: Orphanet 140162, MedGen C0027672, MeSH D009386, MONDO:0015356.
Tuberous sclerosis syndrome (TSC). Also called: Tuberous Sclerosis Complex; Tuberous sclerosis. Identifiers: Orphanet 805, MedGen C0041341, MONDO:0001734.

Submissions (2):

Ambry Genetics
Classification: Likely pathogenic for Hereditary cancer-predisposing syndrome. Last evaluated: 2016-11-18. Review status: criteria provided, single submitter. Criteria: Ambry Variant Classification Scheme 2023. Collection method: clinical testing. Allele origin: germline.
Comment: The p.L1061P variant (also known as c.3182T>C), located in coding exon 27 of the TSC2 gene, results from a T to C substitution at nucleotide position 3182. The leucine at codon 1061 is replaced by proline, an amino acid with similar properties. In one study, authors used quantifiable western blotting to test several features that influence TSC2 protein function. The mean value of the various measurements observed in this alteration were shown to be significantly different from WT TSC2 protein's measurements (Hoogeveen-Westerveld M et al. Hum. Mutat., 2011 Apr;32:424-35). This variant was not reported in population based cohorts in the following databases: Database of Single Nucleotide Polymorphisms (dbSNP), NHLBI Exome Sequencing Project (ESP), and 1000 Genomes Project. In the ESP, this variant was not observed in 6497 samples (12994 alleles) with coverage at this position. This amino acid position is highly conserved in available vertebrate species. In addition, this alteration is predicted to be deleterious by in silico analysis. Based on the majority of available evidence to date, this variant is likely to be pathogenic.

Tuberous sclerosis database (TSC2)
No classification provided. Condition: TSC. Review status: no classification provided. Criteria: Tuberous Sclerosis Database Assertion Criteria 2015. Collection method: curation. Allele origin: germline. Affected: yes. Not counted in ClinVar's aggregate classification.

Literature cited by the submitters: PubMed 15798777 (cited by Ambry Genetics); PubMed 21309039 (cited by Ambry Genetics).

NM_000548.5(TSC2):c.3182T>C (p.Leu1061Pro)

Gene: TSC2 (TSC complex subunit 2; plus strand). Cytogenetic location: 16p13.3.
Variant type: single nucleotide variant.
Coding change: c.3182T>C on transcript NM_000548.5 (MANE Select); coding-DNA position 3182, T replaced by C.
Protein change: p.Leu1061Pro; replaces leucine 1061 with proline.
Molecular consequence: missense variant.
Genome position (GRCh38, 1-based): chr16:2,079,326, T>C. VCF-style: chr16-2079326-T-C. GRCh37 (hg19) VCF-style: chr16-2129327-T-C.
Other names: c.3050T>C, p.Leu1017Pro (NM_001077183.3, NM_001370404.1); c.3182T>C, p.Leu1061Pro (NM_001114382.3); c.2942T>C, p.Leu981Pro (NM_001318827.2); c.2906T>C, p.Leu969Pro (NM_001318829.2); c.2450T>C, p.Leu817Pro (NM_001318831.2); c.3083T>C, p.Leu1028Pro (NM_001318832.2); c.3053T>C, p.Leu1018Pro (NM_001363528.2, NM_001370405.1, NM_021055.3); short protein forms L1061P, L1017P, L817P, L1018P, L969P, L981P, L1028P.
Identifiers: ClinVar variation 64897 (VCV000064897.6), dbSNP rs397514919, ClinGen allele CA018665.
Genomic context (GRCh38, chr16:2,079,326, plus strand): 5'-TGTCTTCTAGGTCTCCTGTGGGCGAGTTCCTCCTAGCGGGTGGCAGGACCAAAACCTGGC[T>C]GGTTGGGAACAAGCTTGTCACTGTGACGACAAGCGTGGGAACCGGGACCCGGTCGTTACT-3'
Protein context (NP_000539.2, residues 1051-1071): LLAGGRTKTW[Leu1061Pro]VGNKLVTVTT